The following is an entry in ClinVar:

ClinVar aggregate classification (germline): Uncertain significance. Review status: criteria provided, multiple submitters, no conflicts (2 of 4 stars). 6 submissions from 4 submitters: Uncertain significance (6). Last evaluated 2025-10-11.

Conditions:
RYR1-related disorder. Also called: RYR1-related condition; RYR1-related disorders. Identifiers: MedGen CN239331.
Central core myopathy (CMYO1A). Also called: Central core disease; Myopathy, central fibrillar; CONGENITAL MYOPATHY 1A, AUTOSOMAL DOMINANT, WITH SUSCEPTIBILITY TO MALIGNANT HYPERTHERMIA. Identifiers: Orphanet 597, MedGen C5830701, MONDO:0007294, OMIM 117000.
Malignant hyperthermia, susceptibility to, 1 (MHS1). Also called: Anesthesia related hyperthermia; Malignant hyperpyrexia; Fulminating hyperpyrexia; Pharmacogenic myopathy; RYR1-Related Malignant Hyperthermia Susceptibility; Malignant hyperthermia suceptibility 1. Identifiers: Orphanet 423, MedGen C2930980, MONDO:0007783, OMIM 145600.
Congenital multicore myopathy with external ophthalmoplegia (CMYO1B). Also called: MULTICORE MYOPATHY; Minicore myopathy with external ophthalmoplegia; Congenital myopathy 1B, autosomal recessive; Minicore myopathy; MULTIMINICORE DISEASE WITH EXTERNAL OPHTHALMOPLEGIA. Identifiers: Orphanet 598, Orphanet 98905, MedGen C1850674, MONDO:0009712, OMIM 255320, HP:0003789.
Congenital myopathy with fiber type disproportion. Also called: Congenital fiber-type disproportion; Congenital fiber-type disproportion myopathy. Identifiers: Orphanet 2020, MedGen C0546264, MONDO:0009711. Inheritance: all.
King Denborough syndrome (KDS). Identifiers: MedGen C1840365, MONDO:0020485, OMIM 619542.

Allele frequency attached by ClinVar (database versions not stated): gnomAD 0.00001; TOPMed 0.00002.
gnomAD v4.1: 11 of 1,396,104 alleles (0.00079%); highest among the groups gnomAD compares: South Asian, 0.0016%; no homozygotes.

Submissions (6):

Labcorp Genetics (formerly Invitae), Labcorp
Classification: Uncertain significance for RYR1-related disorder. Last evaluated: 2025-10-11. Review status: criteria provided, single submitter. Criteria: Invitae Variant Classification Sherloc (09022015). Collection method: clinical testing. Allele origin: germline.
Comment: This sequence change replaces proline, which is neutral and non-polar, with serine, which is neutral and polar, at codon 4448 of the RYR1 protein (p.Pro4448Ser). This variant is not present in population databases (gnomAD no frequency). This variant has not been reported in the literature in individuals affected with RYR1-related conditions. ClinVar contains an entry for this variant (Variation ID: 329125). Invitae Evidence Modeling of protein sequence and biophysical properties (such as structural, functional, and spatial information, amino acid conservation, physicochemical variation, residue mobility, and thermodynamic stability) indicates that this missense variant is not expected to disrupt RYR1 protein function with a negative predictive value of 80%. In summary, the available evidence is currently insufficient to determine the role of this variant in disease. Therefore, it has been classified as a Variant of Uncertain Significance.

All of Us Research Program, National Institutes of Health
Classification: Uncertain significance for Malignant hyperthermia, susceptibility to, 1. Last evaluated: 2024-04-16. Review status: criteria provided, single submitter. Criteria: ACMG Guidelines, 2015. Collection method: clinical testing. Allele origin: germline. Inheritance: Autosomal dominant inheritance. Observed: 2 variant alleles, 2 heterozygotes.
Comment: This missense variant replaces proline with serine at codon 4448 of the RYR1 protein. Computational prediction suggests that this variant may not impact protein structure and function (internally defined REVEL score threshold <= 0.5, PMID: 27666373). To our knowledge, functional studies have not been reported for this variant. This variant has not been reported in individuals affected with RYR1-related disorders in the literature. This variant has not been identified in the general population by the Genome Aggregation Database (gnomAD). The available evidence is insufficient to determine the role of this variant in disease conclusively. Therefore, this variant is classified as a Variant of Uncertain Significance.

This study involves interpretation of variants in research participants for the purpose of population health screening. Participant phenotype was not available at the time of variant classification. Additional details can be found in publication PMID: 35346344, PMCID: PMC8962531

Fulgent Genetics
Classification: Uncertain significance for Central core myopathy; Malignant hyperthermia, susceptibility to, 1; Congenital myopathy 4A, autosomal dominant; Congenital multicore myopathy with external ophthalmoplegia; King Denborough syndrome. Last evaluated: 2021-09-23. Review status: criteria provided, single submitter. Criteria: ACMG Guidelines, 2015. Collection method: clinical testing. Allele origin: unknown.

Illumina Laboratory Services, Illumina
Classification: Uncertain significance for Congenital multicore myopathy with external ophthalmoplegia. Last evaluated: 2018-01-12. Review status: criteria provided, single submitter. Criteria: ICSL Variant Classification Criteria 13 December 2019. Collection method: clinical testing. Allele origin: germline.

Illumina Laboratory Services, Illumina
Classification: Uncertain significance for Central core myopathy. Last evaluated: 2018-01-12. Review status: criteria provided, single submitter. Criteria: ICSL Variant Classification Criteria 13 December 2019. Collection method: clinical testing. Allele origin: germline.

Illumina Laboratory Services, Illumina
Classification: Uncertain significance for Malignant hyperthermia, susceptibility to, 1. Last evaluated: 2018-01-12. Review status: criteria provided, single submitter. Criteria: ICSL Variant Classification Criteria 13 December 2019. Collection method: clinical testing. Allele origin: germline.

NM_000540.3(RYR1):c.13342C>T (p.Pro4448Ser)

Genes: RYR1 (ryanodine receptor 1; plus strand), LOC130064357 (ATAC-STARR-seq lymphoblastoid silent region 10577; plus strand). Cytogenetic location: 19q13.2.
Variant type: single nucleotide variant.
Coding change: c.13342C>T on transcript NM_000540.3 (MANE Select); coding-DNA position 13342, C replaced by T.
Protein change: p.Pro4448Ser; replaces proline 4448 with serine.
Molecular consequence: missense variant.
Genome position (GRCh38, 1-based): chr19:38,565,676, C>T. VCF-style: chr19-38565676-C-T. GRCh37 (hg19) VCF-style: chr19-39056316-C-T.
Other names: c.13327C>T, p.Pro4443Ser (NM_001042723.2); short protein forms P4448S, P4443S.
Identifiers: ClinVar variation 329125 (VCV000329125.10), dbSNP rs886054407, ClinGen allele CA10651893.